The following is an entry in ClinVar:

NM_001374353.1(GLI2):c.304C>T (p.Arg102Trp)

Gene: GLI2 (GLI family zinc finger 2; plus strand). Cytogenetic location: 2q14.2.
Variant type: single nucleotide variant.
Coding change: c.304C>T on transcript NM_001374353.1 (MANE Select); coding-DNA position 304, C replaced by T.
Protein change: p.Arg102Trp; replaces arginine 102 with tryptophan.
Molecular consequence: missense variant. On other transcripts: 5 prime UTR variant (1).
Genome position (GRCh38, 1-based): chr2:120,951,292, C>T. VCF-style: chr2-120951292-C-T. GRCh37 (hg19) VCF-style: chr2-121708868-C-T.
Other names: c.304C>T, p.Arg102Trp (NM_001371271.1, NM_005270.5); c.-72C>T (NM_001374354.1); short protein forms R102W.
Identifiers: ClinVar variation 2924654 (VCV002924654.3), dbSNP rs368449972, ClinGen allele CA1851493.

ClinVar aggregate classification (germline): Uncertain significance (1 of 4 stars; one submission).

Conditions:
Postaxial polydactyly-anterior pituitary anomalies-facial dysmorphism syndrome. Also called: Culler-Jones syndrome. Identifiers: Orphanet 420584, MedGen C4014479, MONDO:0014369, OMIM 615849.
Holoprosencephaly 9 (HPE9). Also called: PITUITARY ANOMALIES WITH HOLOPROSENCEPHALY-LIKE FEATURES; HOLOPROSENCEPHALY WITH MICROPHTHALMIA AND FIRST BRANCHIAL ARCH ANOMALIES. Identifiers: Orphanet 2162, MedGen C1835819, MONDO:0012563, OMIM 610829.

Allele frequency attached by ClinVar (database versions not stated): gnomAD exomes 0.00002; TOPMed 0.00002; ExAC 0.00003; gnomAD 0.00003; ESP Exome Variant Server 0.00008.

Submission:

Labcorp Genetics (formerly Invitae), Labcorp
Classification: Uncertain significance for Postaxial polydactyly-anterior pituitary anomalies-facial dysmorphism syndrome; Holoprosencephaly 9. Last evaluated: 2024-03-05. Review status: criteria provided, single submitter. Criteria: Invitae Variant Classification Sherloc (09022015). Collection method: clinical testing. Allele origin: germline.
Comment: This sequence change replaces arginine, which is basic and polar, with tryptophan, which is neutral and slightly polar, at codon 102 of the GLI2 protein (p.Arg102Trp). This variant is present in population databases (rs368449972, gnomAD 0.003%). This variant has not been reported in the literature in individuals affected with GLI2-related conditions. An algorithm developed to predict the effect of missense changes on protein structure and function (PolyPhen-2) suggests that this variant is likely to be disruptive. In summary, the available evidence is currently insufficient to determine the role of this variant in disease. Therefore, it has been classified as a Variant of Uncertain Significance.